The following is an entry in ClinVar:

ClinVar aggregate classification (germline): Uncertain significance. Review status: criteria provided, multiple submitters, no conflicts (2 of 4 stars). 2 submissions from 2 submitters: Uncertain significance (2). Last evaluated 2024-12-02.

Conditions:
Autosomal dominant epilepsy with auditory features. Identifiers: Orphanet 101046, MedGen C1838062, MONDO:0010898.

Allele frequency attached by ClinVar (database versions not stated): TOPMed below 0.00001.
gnomAD v4.1: 14 of 1,614,140 alleles (0.00087%); highest among the groups gnomAD compares: Admixed American, 0.0017%; no homozygotes.

Submissions (2):

Labcorp Genetics (formerly Invitae), Labcorp
Classification: Uncertain significance for Autosomal dominant epilepsy with auditory features. Last evaluated: 2024-12-02. Review status: criteria provided, single submitter. Criteria: Invitae Variant Classification Sherloc (09022015). Collection method: clinical testing. Allele origin: germline.
Comment: This sequence change replaces alanine, which is neutral and non-polar, with threonine, which is neutral and polar, at codon 434 of the LGI1 protein (p.Ala434Thr). This variant is present in population databases (rs758287710, gnomAD 0.002%). This variant has not been reported in the literature in individuals affected with LGI1-related conditions. ClinVar contains an entry for this variant (Variation ID: 206031). Invitae Evidence Modeling of protein sequence and biophysical properties (such as structural, functional, and spatial information, amino acid conservation, physicochemical variation, residue mobility, and thermodynamic stability) indicates that this missense variant is not expected to disrupt LGI1 protein function with a negative predictive value of 80%. In summary, the available evidence is currently insufficient to determine the role of this variant in disease. Therefore, it has been classified as a Variant of Uncertain Significance.

GeneDx
Classification: Uncertain significance. Last evaluated: 2014-07-23. Review status: criteria provided, single submitter. Criteria: GeneDx Variant Classification (06012015). Collection method: clinical testing. Allele origin: germline. Affected: yes.
Comment: p.Ala434Thr (GCA>ACA): c.1300 G>A in exon 8 of the LGI1 gene (NM_005097.2). The A434T variant has not been published as a mutation, nor has it been reported as a benign polymorphism to our knowledge. It was not observed in approximately 6,500 individuals of European and African American ancestry in the NHLBI Exome Sequencing Project, indicating it is not a common benign variant in these populations. The A434T variant is a non-conservative amino acid substitution, which is likely to impact secondary protein structure as these residues differ in polarity, charge, size and/or other properties. This substitution occurs at a position that is conserved across mammals; however, this position is not conserved in species more distant in evolution. In silico analysis predicts this variant is probably damaging to the protein structure/function. Therefore, based on the currently available information, it is unclear whether this variant is a pathogenic mutation or a rare benign variant. The variant is found in EPILEPSY panel(s).

NM_005097.4(LGI1):c.1300G>A (p.Ala434Thr)

Gene: LGI1 (leucine rich glioma inactivated 1; plus strand). Cytogenetic location: 10q23.33.
Variant type: single nucleotide variant.
Coding change: c.1300G>A on transcript NM_005097.4 (MANE Select); coding-DNA position 1300, G replaced by A.
Protein change: p.Ala434Thr; replaces alanine 434 with threonine.
Molecular consequence: missense variant. On other transcripts: non-coding transcript variant (1), intron variant (1).
Genome position (GRCh38, 1-based): chr10:93,797,429, G>A. VCF-style: chr10-93797429-G-A. GRCh37 (hg19) VCF-style: chr10-95557186-G-A.
Other names: p.A434T:GCA>ACA; c.1156G>A, p.Ala386Thr (NM_001308276.2); c.839-320G>A (NM_001308275.2); short protein forms A434T, A386T.
Identifiers: ClinVar variation 206031 (VCV000206031.5), dbSNP rs758287710, ClinGen allele CA315723.